The following is an entry in ClinVar:

ClinVar aggregate classification (germline): Uncertain significance (1 of 4 stars; one submission).

Conditions:
Epilepsy, idiopathic generalized, susceptibility to, 13. Also called: EPILEPSY, JUVENILE MYOCLONIC, SUSCEPTIBILITY TO, 5. Identifiers: Orphanet 307, Orphanet 64280, MedGen C4013473, MONDO:0012627, OMIM 611136.
Epilepsy, childhood absence 4 (ECA4). Also called: EPILEPSY, CHILDHOOD ABSENCE, SUSCEPTIBILITY TO, 4. Identifiers: Orphanet 307, MedGen C1970160.
Idiopathic generalized epilepsy. Also called: Generalised epilepsy; EIG. Identifiers: MedGen C0270850, MONDO:0005579, OMIM 600669.

Submission:

Labcorp Genetics (formerly Invitae), Labcorp
Classification: Uncertain significance for Epilepsy, childhood absence 4; Epilepsy, idiopathic generalized, susceptibility to, 13; Idiopathic generalized epilepsy. Last evaluated: 2025-03-05. Review status: criteria provided, single submitter. Criteria: Invitae Variant Classification Sherloc (09022015). Collection method: clinical testing. Allele origin: germline.
Comment: This sequence change replaces proline, which is neutral and non-polar, with leucine, which is neutral and non-polar, at codon 174 of the GABRA1 protein (p.Pro174Leu). This variant is not present in population databases (gnomAD no frequency). This variant has not been reported in the literature in individuals affected with GABRA1-related conditions. Invitae Evidence Modeling of protein sequence and biophysical properties (such as structural, functional, and spatial information, amino acid conservation, physicochemical variation, residue mobility, and thermodynamic stability) indicates that this missense variant is expected to disrupt GABRA1 protein function with a positive predictive value of 95%. In summary, the available evidence is currently insufficient to determine the role of this variant in disease. Therefore, it has been classified as a Variant of Uncertain Significance.

NM_001127644.2(GABRA1):c.521C>T (p.Pro174Leu)

Gene: GABRA1 (gamma-aminobutyric acid type A receptor subunit alpha1; plus strand). Cytogenetic location: 5q34.
Variant type: single nucleotide variant.
Coding change: c.521C>T on transcript NM_001127644.2 (MANE Select); coding-DNA position 521, C replaced by T.
Protein change: p.Pro174Leu; replaces proline 174 with leucine.
Molecular consequence: missense variant.
Genome position (GRCh38, 1-based): chr5:161,875,604, C>T. VCF-style: chr5-161875604-C-T. GRCh37 (hg19) VCF-style: chr5-161302610-C-T.
Other names: c.521C>T, p.Pro174Leu (NM_000806.5, NM_001127643.2, NM_001127645.2 and 1 more transcripts); short protein forms P174L.
Identifiers: ClinVar variation 4789486 (VCV004789486.1).
Genomic context (GRCh38, chr5:161,875,604, plus strand): 5'-CTATGTTTCCCTTAAGGCTGACAGTGAGAGCTGAATGTCCGATGCATTTGGAGGACTTCC[C>T]TATGGATGCCCATGCTTGCCCACTAAAATTTGGAAGTTGTGAGTAAATTTATATGGACTT-3'
Protein context (NP_001121116.1, residues 164-184): AECPMHLEDF[Pro174Leu]MDAHACPLKF